The following is an entry in ClinVar:

NM_001267550.2(TTN):c.47494C>T (p.Arg15832Ter)

Genes: TTN (titin; minus strand), TTN-AS1 (TTN antisense RNA 1; plus strand). Cytogenetic location: 2q31.2.
Variant type: single nucleotide variant.
Coding change: c.47494C>T on transcript NM_001267550.2 (MANE Select); coding-DNA position 47494, C replaced by T.
Protein change: p.Arg15832Ter; replaces arginine 15832 with a stop codon.
Molecular consequence: nonsense.
Genome position (GRCh38, 1-based): chr2:178,617,857, G>A on the plus strand (C>T on the coding strand, the complement: TTN is on the minus strand). VCF-style: chr2-178617857-G-A. GRCh37 (hg19) VCF-style: chr2-179482584-G-A.
Other names: c.42571C>T, p.Arg14191Ter (NM_001256850.1); c.20299C>T, p.Arg6767Ter (NM_003319.4); c.39790C>T, p.Arg13264Ter (NM_133378.4); c.20674C>T, p.Arg6892Ter (NM_133432.3); c.20875C>T, p.Arg6959Ter (NM_133437.4); c.47494C>T (NM_001267550.1); short protein forms R15832*, R6767*, R6892*, R6959*, R13264*, R14191*.
Identifiers: ClinVar variation 264517 (VCV000264517.25), dbSNP rs751746401, ClinGen allele CA1995041.

ClinVar aggregate classification (germline): Pathogenic/Likely pathogenic. Review status: criteria provided, multiple submitters, no conflicts (2 of 4 stars). 11 submissions from 11 submitters: Pathogenic (10); Likely pathogenic (1). Last evaluated 2026-01-27.

Conditions:
TTN-related disorder. Also called: TTN-related disorders; TTN-related condition; TTN-related disease.
Cardiovascular phenotype. Identifiers: MedGen CN230736.
Dilated cardiomyopathy 1G (CMD1G). Identifiers: Orphanet 154, MedGen C1858763, MONDO:0011400, OMIM 604145.
Autosomal recessive limb-girdle muscular dystrophy type 2J (LGMDR10). Also called: MUSCULAR DYSTROPHY, LIMB-GIRDLE, AUTOSOMAL RECESSIVE 10; Limb-girdle muscular dystrophy, type 2J. Identifiers: Orphanet 140922, MedGen C1837342, MONDO:0012127, OMIM 608807.
Primary familial dilated cardiomyopathy (FDC). Also called: Familial dilated cardiomyopathy; Hypokinetic dilated cardiomyopathy, familial. Identifiers: Orphanet 217607, MedGen C0340427, MONDO:0016333.
Early-onset myopathy with fatal cardiomyopathy (CMYO5). Also called: CONGENITAL MYOPATHY 5 WITH CARDIOMYOPATHY; Salih Myopathy. Identifiers: Orphanet 289377, MedGen C2673677, MONDO:0012714, OMIM 611705. Disease mechanism: loss of function.
Tibial muscular dystrophy (TMD). Also called: Udd Distal Myopathy – Tibial Muscular Dystrophy; UDD MYOPATHY; Tibial muscular dystrophy, tardive. Identifiers: Orphanet 609, MedGen C1838244, MONDO:0010870, OMIM 600334.
Hypertrophic cardiomyopathy 9. Also called: Familial hypertrophic cardiomyopathy 9. Identifiers: MedGen C1861065, MONDO:0013412, OMIM 613765.
Myopathy, myofibrillar, 9, with early respiratory failure (MFM9). Also called: EDSTROM MYOPATHY; Hereditary myopathy with early respiratory failure; MYOPATHY, PROXIMAL, WITH EARLY RESPIRATORY MUSCLE INVOLVEMENT; Myopathy, distal, with early respiratory failure, autosomal dominant. Identifiers: Orphanet 178464, Orphanet 34521, MedGen C1863599, MONDO:0011362, OMIM 603689.
Cardiomyopathy (CMYO). Also called: Cardiomyopathies. Identifiers: Orphanet 167848, MedGen C0878544, MONDO:0004994, HP:0001638. Inheritance: Various modes of inheritance.
Primary dilated cardiomyopathy (DCM). Also called: Dilated Cardiomyopathy. Identifiers: Orphanet 217604, MedGen C0007193, MeSH D002311, MONDO:0005021, HP:0001644. Inheritance: Various modes of inheritance.

Allele frequency attached by ClinVar (database versions not stated): gnomAD exomes below 0.00001 and 0.00001; TOPMed below 0.00001; ExAC 0.00001; gnomAD 0.00001.
gnomAD v4.1: 9 of 1,612,382 alleles (0.00056%); highest among the groups gnomAD compares: African/African-American, 0.0013%; no homozygotes.

Submissions 1 to 5 of 11:

Petrovsky National Research Centre of Surgery, The Federal Agency for Scientific Organizations
Classification: Likely pathogenic for Primary dilated cardiomyopathy. Last evaluated: 2026-01-27. Review status: criteria provided, single submitter. Criteria: ACMG Guidelines, 2015. Collection method: clinical testing. Allele origin: germline. Affected: yes. Observed: 1 variant allele.
Comment: The variant is in The Genome Aggregation Database (gnomAD) v4.1.0 with total 5.582e-06. (Date of access 2026-01-27). In accordance with ACMG (2015) criteria this variant is classified as Likely pathogenic with following criteria selected: PM2, PVS1_Strong, PS4_Supporting.

Labcorp Genetics (formerly Invitae), Labcorp
Classification: Pathogenic for Dilated cardiomyopathy 1G; Autosomal recessive limb-girdle muscular dystrophy type 2J. Last evaluated: 2025-12-22. Review status: criteria provided, single submitter. Criteria: Invitae Variant Classification Sherloc (09022015). Collection method: clinical testing. Allele origin: germline.
Comment: This sequence change creates a premature translational stop signal (p.Arg15832*) in the TTN gene. While this is not anticipated to result in nonsense mediated decay, it is expected to create a truncated TTN protein. This variant is present in population databases (rs751746401, gnomAD 0.002%). This premature translational stop signal has been observed in individual(s) with autosomal dominant dilated cardiomyopathy and/or autosomal recessive centronuclear myopathy (PMID: 31317183, 32815318; internal data). In at least one individual the data is consistent with being in trans (on the opposite chromosome) from a pathogenic variant. This variant is also known as p.Arg6767*. ClinVar contains an entry for this variant (Variation ID: 264517). This variant is located in the A band of TTN (PMID: 25589632). Truncating variants in this region are significantly overrepresented in patients affected with dilated cardiomyopathy (PMID: 25589632). Truncating variants in this region have also been reported in individuals affected with autosomal recessive centronuclear myopathy (PMID: 23975875). For these reasons, this variant has been classified as Pathogenic.

GeneDx
Classification: Pathogenic. Last evaluated: 2025-10-17. Review status: criteria provided, single submitter. Criteria: GeneDx Variant Classification Process June 2021. Collection method: clinical testing. Allele origin: germline.
Comment: Nonsense variant predicted to result in protein truncation or nonsense mediated decay in a gene for which loss of function is a known mechanism of disease; Located in the A-band, a region of TTN for which truncating variants are significantly associated with autosomal dominant cardiomyopathy and also with autosomal recessive skeletal myopathies (PMID: 22335739, 32778822); Not observed at significant frequency in large population cohorts (gnomAD); This variant is associated with the following publications: (PMID: 35177841, 25589632, 23975875, 30535219, 31317183, 34495297, 32815318, 22335739, 32778822, 36264615, 31691645, 38544359)

Women's Health and Genetics/Laboratory Corporation of America, LabCorp
Classification: Pathogenic for Primary familial dilated cardiomyopathy. Last evaluated: 2025-10-06. Review status: criteria provided, single submitter. Criteria: LabCorp Variant Classification Summary - May 2015. Collection method: clinical testing. Allele origin: germline.
Comment: Variant summary: TTN c.39790C>T (p.Arg13264X), also known as NM_001267550: c.47494C>T (p.Arg15832X), results in a premature termination codon, predicted to cause a truncation of the encoded protein or absence of the protein due to nonsense mediated decay, which are commonly known mechanisms for disease. Loss of function variants in all TTN bands are strongly associated with a spectrum of autosomal recessive titinopathies when exon expression (proportion spliced in, PSI, 1=complete expression) in skeletal muscle is >0.1 (PMID: 36977548, 39198997, 29598826, 32778822, 29691892, 33449170, 36977548, internal data). In contrast, loss of function variants in all TTN bands are only strongly associated with autosomal dominant TTN-related cardiomyopathies if located in exons constitutively expressed (PSI >0.9) in cardiac muscle, excluding extreme C-terminal exons 359-363 (PMID: 25589632, 31216868, 32964742, 34662387, 27869827, Shetty et al., Nat Cardiovasc Res 2024,, internal data). This variant has a maximum skeletal muscle PSI of 0968 and a maximum cardiac muscle PSI of 1.000. The variant allele was found at a frequency of 4e-06 in 248042 control chromosomes. c.39790C>T has been observed in individuals affected with Dilated Cardiomyopathy and/or skeletal myopathy (e.g. Yeh_2019, Augusto_2020, Rich_2020). These data indicate that the variant is likely to be associated with disease. To our knowledge, no experimental evidence demonstrating an impact on protein function has been reported. The following publications have been ascertained in the context of this evaluation (PMID: 31317183, 32815318, 31879508). ClinVar contains an entry for this variant (Variation ID: 264517). Based on the evidence outlined above, the variant was classified as pathogenic for both autosomal dominant and autosomal recessive TTN-related conditions.

Variantyx, Inc.
Classification: Pathogenic for Dilated cardiomyopathy 1G. Last evaluated: 2025-03-07. Review status: criteria provided, single submitter. Criteria: Variantyx Assertion Criteria 2022. Collection method: clinical testing. Allele origin: maternal.
Comment: This is a nonsense variant in the TTN gene (OMIM: 188840). Pathogenic variants in this gene have been associated with autosomal dominant dilated cardiomyopathy 1G. This variant introduces a premature termination codon in the A band region of titin (exon 253 out of 363). It is expected to result in loss of function, which is a known disease mechanism for TTN in this disorder (PMID: 38938651) (PVS1). This variant has been reported in at least 2 unrelated affected individuals (PMID: 32815318, 36264615) (PS4_Supporting). This variant has a 0.0013% maximum allele frequency in non-founder control populations (PM2_Supporting). Based on the current evidence, this variant is classified as pathogenic for autosomal dominant dilated cardiomyopathy 1G.